The following is an entry in ClinVar:

NM_015295.3(SMCHD1):c.2752T>G (p.Leu918Val)

Gene: SMCHD1 (structural maintenance of chromosomes flexible hinge domain containing 1; plus strand). Cytogenetic location: 18p11.32.
Variant type: single nucleotide variant.
Coding change: c.2752T>G on transcript NM_015295.3 (MANE Select); coding-DNA position 2752, T replaced by G.
Protein change: p.Leu918Val; replaces leucine 918 with valine.
Molecular consequence: missense variant.
Genome position (GRCh38, 1-based): chr18:2,726,503, T>G. VCF-style: chr18-2726503-T-G. GRCh37 (hg19) VCF-style: chr18-2726501-T-G.
Other names: short protein forms L918V.
Identifiers: ClinVar variation 4743015 (VCV004743015.1).

ClinVar aggregate classification (germline): Uncertain significance (1 of 4 stars; one submission).

Conditions:
Facioscapulohumeral muscular dystrophy 2 (FSHD2). Also called: MUSCULAR DYSTROPHY, FACIOSCAPULOHUMERAL, TYPE 1B; FACIOSCAPULOHUMERAL MUSCULAR DYSTROPHY 2, DIGENIC; FSHD2, DIGENIC. Identifiers: Orphanet 269, MedGen C1834671, MONDO:0008031, OMIM 158901.

Submission:

Labcorp Genetics (formerly Invitae), Labcorp
Classification: Uncertain significance for Facioscapulohumeral muscular dystrophy 2. Last evaluated: 2025-08-24. Review status: criteria provided, single submitter. Criteria: Invitae Variant Classification Sherloc (09022015). Collection method: clinical testing. Allele origin: germline.
Comment: This sequence change replaces leucine, which is neutral and non-polar, with valine, which is neutral and non-polar, at codon 918 of the SMCHD1 protein (p.Leu918Val). This variant is not present in population databases (gnomAD no frequency). This variant has not been reported in the literature in individuals affected with SMCHD1-related conditions. Invitae Evidence Modeling of protein sequence and biophysical properties (such as structural, functional, and spatial information, amino acid conservation, physicochemical variation, residue mobility, and thermodynamic stability) indicates that this missense variant is not expected to disrupt SMCHD1 protein function with a negative predictive value of 80%. In summary, the available evidence is currently insufficient to determine the role of this variant in disease. Therefore, it has been classified as a Variant of Uncertain Significance.